The following is an entry in ClinVar:

NM_002432.3(MNDA):c.163A>G (p.Lys55Glu)

Gene: MNDA (myeloid cell nuclear differentiation antigen; plus strand). Cytogenetic location: 1q23.1.
Variant type: single nucleotide variant.
Coding change: c.163A>G on transcript NM_002432.3 (MANE Select); coding-DNA position 163, A replaced by G.
Protein change: p.Lys55Glu; replaces lysine 55 with glutamic acid.
Molecular consequence: missense variant.
Genome position (GRCh38, 1-based): chr1:158,842,316, A>G. VCF-style: chr1-158842316-A-G. GRCh37 (hg19) VCF-style: chr1-158812106-A-G.
Other names: short protein forms K55E.
Identifiers: ClinVar variation 3222178 (VCV003222178.1), dbSNP rs2526075193, ClinGen allele CA343036942.

ClinVar aggregate classification (germline): Uncertain significance (1 of 4 stars; one submission).

Allele frequency attached by ClinVar (database versions not stated): gnomAD exomes 0.00001.
gnomAD v4.1: 5 of 1,614,192 alleles (0.00031%); highest among the groups gnomAD compares: Non-Finnish European, 0.00042%; no homozygotes.

Submission:

Ambry Genetics
Classification: Uncertain significance. Last evaluated: 2023-12-14. Review status: criteria provided, single submitter. Criteria: Ambry Variant Classification Scheme 2023. Collection method: clinical testing. Allele origin: germline.
Comment: The p.K55E variant (also known as c.163A>G), located in coding exon 1 of the MNDA gene, results from an A to G substitution at nucleotide position 163. The lysine at codon 55 is replaced by glutamic acid, an amino acid with similar properties. This amino acid position is conserved. In addition, this alteration is predicted to be tolerated by in silico analysis. Since supporting evidence is limited at this time, the clinical significance of this alteration remains unclear.